The following is an entry in ClinVar:

NM_000302.4(PLOD1):c.1456A>T (p.Asn486Tyr)

Gene: PLOD1 (procollagen-lysine,2-oxoglutarate 5-dioxygenase 1; plus strand). Cytogenetic location: 1p36.22.
Variant type: single nucleotide variant.
Coding change: c.1456A>T on transcript NM_000302.4 (MANE Select); coding-DNA position 1456, A replaced by T.
Protein change: p.Asn486Tyr; replaces asparagine 486 with tyrosine.
Molecular consequence: missense variant.
Genome position (GRCh38, 1-based): chr1:11,964,771, A>T. VCF-style: chr1-11964771-A-T. GRCh37 (hg19) VCF-style: chr1-12024828-A-T.
Other names: c.1597A>T, p.Asn533Tyr (NM_001316320.2); short protein forms N486Y, N533Y.
Identifiers: ClinVar variation 5026855 (VCV005026855.1).

ClinVar aggregate classification (germline): Uncertain significance (1 of 4 stars; one submission).

Conditions:
Familial thoracic aortic aneurysm and aortic dissection (TAAD). Also called: Thoracic aortic aneurysms and dissections. Identifiers: Orphanet 91387, MedGen C4707243, MONDO:0019625.

Submission:

Ambry Genetics
Classification: Uncertain significance for Familial thoracic aortic aneurysm and aortic dissection. Last evaluated: 2026-09-02. Review status: criteria provided, single submitter. Criteria: Ambry Variant Classification Scheme 2023. Collection method: clinical testing. Allele origin: germline.
Comment: The p.N486Y variant (also known as c.1456A>T), located in coding exon 13 of the PLOD1 gene, results from an A to T substitution at nucleotide position 1456. The asparagine at codon 486 is replaced by tyrosine, an amino acid with dissimilar properties. This amino acid position is well conserved in available vertebrate species. In addition, this alteration is predicted to be deleterious by in silico analysis. Based on the available evidence, the clinical significance of this variant remains unclear.